The following is an entry in ClinVar:

NM_078480.3(PUF60):c.392T>C (p.Val131Ala)

Gene: PUF60 (poly(U) binding splicing factor 60; minus strand). Cytogenetic location: 8q24.3.
Variant type: single nucleotide variant.
Coding change: c.392T>C on transcript NM_078480.3 (MANE Select); coding-DNA position 392, T replaced by C.
Protein change: p.Val131Ala; replaces valine 131 with alanine.
Molecular consequence: missense variant.
Genome position (GRCh38, 1-based): chr8:143,818,491, A>G on the plus strand (T>C on the coding strand, the complement: PUF60 is on the minus strand). VCF-style: chr8-143818491-A-G. GRCh37 (hg19) VCF-style: chr8-144900661-A-G.
Other names: c.263T>C, p.Val88Ala (NM_001136033.3); c.338T>C, p.Val113Ala (NM_001271096.2); c.254T>C, p.Val85Ala (NM_001271097.2); c.389T>C, p.Val130Ala (NM_001271098.2); c.305T>C, p.Val102Ala (NM_001271099.2); c.212T>C, p.Val71Ala (NM_001271100.2); c.503T>C, p.Val168Ala (NM_001362895.2, NM_001362896.2); c.452T>C, p.Val151Ala (NM_001362897.2); and 1 more; short protein forms V102A, V113A, V114A, V130A, V131A, V151A, V168A, V71A.
Identifiers: ClinVar variation 3371106 (VCV003371106.1).

ClinVar aggregate classification (germline): Uncertain significance (1 of 4 stars; one submission).

Submission:

GeneDx
Classification: Uncertain significance. Last evaluated: 2024-03-26. Review status: criteria provided, single submitter. Criteria: GeneDx Variant Classification Process June 2021. Collection method: clinical testing. Allele origin: germline. Affected: yes.
Comment: Not observed at significant frequency in large population cohorts (gnomAD); In silico analysis supports that this missense variant has a deleterious effect on protein structure/function; Has not been previously published as pathogenic or benign to our knowledge